The following is an entry in ClinVar:

NM_000277.3(PAH):c.1013A>T (p.Asp338Val)

Gene: PAH (phenylalanine hydroxylase; minus strand). Cytogenetic location: 12q23.2.
Variant type: single nucleotide variant.
Coding change: c.1013A>T on transcript NM_000277.3 (MANE Select); coding-DNA position 1013, A replaced by T.
Protein change: p.Asp338Val; replaces aspartic acid 338 with valine.
Molecular consequence: missense variant.
Genome position (GRCh38, 1-based): chr12:102,844,388, T>A on the plus strand (A>T on the coding strand, the complement: PAH is on the minus strand). VCF-style: chr12-102844388-T-A. GRCh37 (hg19) VCF-style: chr12-103238166-T-A.
Other names: c.1013A>T, p.Asp338Val (NM_001354304.2); short protein forms D338V.
Identifiers: ClinVar variation 2794180 (VCV002794180.3), dbSNP rs1169310686, ClinGen allele CA386493454.

ClinVar aggregate classification (germline): Pathogenic (1 of 4 stars; one submission).

Conditions:
Phenylketonuria (PKU). Also called: FOLLING DISEASE; Phenylketonuria (PKU); OLIGOPHRENIA PHENYLPYRUVICA; Phenylketonurias. Identifiers: Orphanet 716, MedGen C0031485, MONDO:0009861, OMIM 261600. Disease mechanism: loss of function.

gnomAD v4.1: 2 of 1,613,720 alleles (0.00012%); highest among the groups gnomAD compares: Non-Finnish European, 0.000085%; no homozygotes.

Submission:

Labcorp Genetics (formerly Invitae), Labcorp
Classification: Pathogenic for Phenylketonuria. Last evaluated: 2023-09-25. Review status: criteria provided, single submitter. Criteria: Invitae Variant Classification Sherloc (09022015). Collection method: clinical testing. Allele origin: germline.
Comment: For these reasons, this variant has been classified as Pathogenic. This variant disrupts the p.Asp338 amino acid residue in PAH. Other variant(s) that disrupt this residue have been determined to be pathogenic (PMID: 7913581, 17502162, 19292873, 25882749). This suggests that this residue is clinically significant, and that variants that disrupt this residue are likely to be disease-causing. Advanced modeling of protein sequence and biophysical properties (such as structural, functional, and spatial information, amino acid conservation, physicochemical variation, residue mobility, and thermodynamic stability) performed at Invitae indicates that this missense variant is not expected to disrupt PAH protein function. This missense change has been observed in individual(s) with clinical features of hyperphenylalaninemia (Invitae). In at least one individual the data is consistent with being in trans (on the opposite chromosome) from a pathogenic variant. This variant is not present in population databases (gnomAD no frequency). This sequence change replaces aspartic acid, which is acidic and polar, with valine, which is neutral and non-polar, at codon 338 of the PAH protein (p.Asp338Val).

Literature cited by the submitters: PubMed 7913581; PubMed 17502162; PubMed 19292873; PubMed 25882749.